The following is an entry in ClinVar:

ClinVar aggregate classification (germline): Uncertain significance (1 of 4 stars; one submission).

Conditions:
Primary ciliary dyskinesia. Also called: Ciliary dyskinesia. Identifiers: Orphanet 244, MedGen C0008780, MONDO:0016575, HP:0012265.

Submission:

Labcorp Genetics (formerly Invitae), Labcorp
Classification: Uncertain significance for Primary ciliary dyskinesia. Last evaluated: 2024-09-29. Review status: criteria provided, single submitter. Criteria: Invitae Variant Classification Sherloc (09022015). Collection method: clinical testing. Allele origin: germline.
Comment: This sequence change replaces aspartic acid, which is acidic and polar, with glycine, which is neutral and non-polar, at codon 3688 of the DNAH5 protein (p.Asp3688Gly). This variant is not present in population databases (gnomAD no frequency). This missense change has been observed in individual(s) with clinical features of primary ciliary dyskinesia (internal data). ClinVar contains an entry for this variant (Variation ID: 238956). Invitae Evidence Modeling of protein sequence and biophysical properties (such as structural, functional, and spatial information, amino acid conservation, physicochemical variation, residue mobility, and thermodynamic stability) indicates that this missense variant is not expected to disrupt DNAH5 protein function with a negative predictive value of 95%. In summary, the available evidence is currently insufficient to determine the role of this variant in disease. Therefore, it has been classified as a Variant of Uncertain Significance.

NM_001369.3(DNAH5):c.11063A>G (p.Asp3688Gly)

Gene: DNAH5 (dynein axonemal heavy chain 5; minus strand). Cytogenetic location: 5p15.2.
Variant type: single nucleotide variant.
Coding change: c.11063A>G on transcript NM_001369.3 (MANE Select); coding-DNA position 11063, A replaced by G.
Protein change: p.Asp3688Gly; replaces aspartic acid 3688 with glycine.
Molecular consequence: missense variant.
Genome position (GRCh38, 1-based): chr5:13,751,226, T>C on the plus strand (A>G on the coding strand, the complement: DNAH5 is on the minus strand). VCF-style: chr5-13751226-T-C. GRCh37 (hg19) VCF-style: chr5-13751335-T-C.
Other names: short protein forms D3688G.
Identifiers: ClinVar variation 238956 (VCV000238956.10), dbSNP rs878854454, ClinGen allele CA10582395.